The following is an entry in ClinVar:

ClinVar aggregate classification (germline): Uncertain significance (1 of 4 stars; one submission).

Conditions:
Charcot-Marie-Tooth disease type 4. Also called: Charcot-Marie-Tooth disease, type IV; Charcot-Marie-Tooth, Type 4. Identifiers: Orphanet 64749, MedGen C4082197, MONDO:0018995.

Allele frequency attached by ClinVar (database versions not stated): TOPMed below 0.00001; gnomAD exomes 0.00002.
gnomAD v4.1: 34 of 1,613,506 alleles (0.0021%); highest among the groups gnomAD compares: Non-Finnish European, 0.0028%; no homozygotes.

Submission:

Labcorp Genetics (formerly Invitae), Labcorp
Classification: Uncertain significance for Charcot-Marie-Tooth disease type 4. Last evaluated: 2022-02-07. Review status: criteria provided, single submitter. Criteria: Invitae Variant Classification Sherloc (09022015). Collection method: clinical testing. Allele origin: germline.
Comment: This variant has not been reported in the literature in individuals affected with FGD4-related conditions. In summary, the available evidence is currently insufficient to determine the role of this variant in disease. Therefore, it has been classified as a Variant of Uncertain Significance. Algorithms developed to predict the effect of missense changes on protein structure and function are either unavailable or do not agree on the potential impact of this missense change (SIFT: "Deleterious"; PolyPhen-2: "Possibly Damaging"; Align-GVGD: "Class C0"). This variant is present in population databases (no rsID available, gnomAD 0.0009%). This sequence change replaces leucine, which is neutral and non-polar, with isoleucine, which is neutral and non-polar, at codon 214 of the FGD4 protein (p.Leu214Ile).

NM_001370298.3(FGD4):c.1051C>A (p.Leu351Ile)

Gene: FGD4 (FYVE, RhoGEF and PH domain containing 4; plus strand). Cytogenetic location: 12p11.21.
Variant type: single nucleotide variant.
Coding change: c.1051C>A on transcript NM_001370298.3 (MANE Select); coding-DNA position 1051, C replaced by A.
Protein change: p.Leu351Ile; replaces leucine 351 with isoleucine.
Molecular consequence: missense variant. On other transcripts: 5 prime UTR variant (2).
Genome position (GRCh38, 1-based): chr12:32,598,536, C>A. VCF-style: chr12-32598536-C-A. GRCh37 (hg19) VCF-style: chr12-32751470-C-A.
Other names: c.895C>A, p.Leu299Ile (NM_001304481.2); c.-205C>A (NM_001304483.2); c.-512C>A (NM_001304484.2); c.361C>A, p.Leu121Ile (NM_001330373.2, NM_001330374.2, NM_001384130.1); c.88C>A, p.Leu30Ile (NM_001370297.1); c.1051C>A, p.Leu351Ile (NM_001384126.1); c.640C>A, p.Leu214Ile (NM_001384127.1, NM_001384128.1, NM_001385118.1 and 1 more transcripts); short protein forms L299I, L30I, L214I, L121I, L351I.
Identifiers: ClinVar variation 2021789 (VCV002021789.4), dbSNP rs1280698411, ClinGen allele CA384357113.